The following is an entry in ClinVar:

NM_025215.6(PUS1):c.441+1G>A

Genes: PUS1 (pseudouridine synthase 1; plus strand), LOC132090059 (Neanderthal introgressed variant-containing enhancer experimental_25941; plus strand). Cytogenetic location: 12q24.33.
Variant type: single nucleotide variant.
Coding change: c.441+1G>A on transcript NM_025215.6 (MANE Select); the canonical splice donor site of the intron after coding-DNA position 441, G replaced by A.
Molecular consequence: splice donor variant.
Genome position (GRCh38, 1-based): chr12:131,932,313, G>A. VCF-style: chr12-131932313-G-A. GRCh37 (hg19) VCF-style: chr12-132416858-G-A.
Other names: c.357+1G>A (NM_001002019.3, NM_001002020.3).
Identifiers: ClinVar variation 4081774 (VCV004081774.1).

ClinVar aggregate classification (germline): Likely pathogenic (1 of 4 stars; one submission).

Conditions:
Myopathy, lactic acidosis, and sideroblastic anemia 1 (MLASA1). Identifiers: Orphanet 2598, MedGen C4551958, MONDO:0024553, OMIM 600462.

Submission:

Myriad Genetics, Inc.
Classification: Likely pathogenic for Myopathy, lactic acidosis, and sideroblastic anemia 1. Last evaluated: 2025-06-13. Review status: criteria provided, single submitter. Criteria: Myriad Autosomal Dominant, Autosomal Recessive and X-Linked Classification Criteria (2023). Collection method: clinical testing. Allele origin: unknown.
Comment: NM_025215.5(PUS1):c.441+1G>A is a variant in a canonical splice site classified as likely pathogenic in the context of myopathy, lactic acidosis, and sideroblastic anemia 1. c.441+1G>A has not been observed in cases with relevant disease. Relevant functional assessments of this variant are not available in the literature. Internal structural analysis of the variant is supportive of pathogenicity. c.441+1G>A has been observed in referenced population frequency databases. In summary, NM_025215.5(PUS1):c.441+1G>A is a variant in a canonical splice site in a gene where loss of function is a known mechanism of disease and is predicted to disrupt protein function. Please note: this variant was assessed in the context of healthy population screening.